The following is an entry in ClinVar:

NM_001486.4(GCKR):c.737A>T (p.Asn246Ile)

Gene: GCKR (glucokinase regulator; plus strand). Cytogenetic location: 2p23.3.
Variant type: single nucleotide variant.
Coding change: c.737A>T on transcript NM_001486.4 (MANE Select); coding-DNA position 737, A replaced by T.
Protein change: p.Asn246Ile; replaces asparagine 246 with isoleucine.
Molecular consequence: missense variant.
Genome position (GRCh38, 1-based): chr2:27,503,606, A>T. VCF-style: chr2-27503606-A-T. GRCh37 (hg19) VCF-style: chr2-27726473-A-T.
Other names: c.737A>T (NM_001486.3); short protein forms N246I.
Identifiers: ClinVar variation 1445041 (VCV001445041.8), dbSNP rs947111849, ClinGen allele CA44539688.

ClinVar aggregate classification (germline): Uncertain significance. Review status: criteria provided, multiple submitters, no conflicts (2 of 4 stars). 2 submissions from 2 submitters: Uncertain significance (2). Last evaluated 2025-06-18.

Allele frequency attached by ClinVar (database versions not stated): gnomAD exomes 0.00001 and 0.00002; gnomAD 0.00005 and 0.00007; TOPMed 0.00027.
gnomAD v4.1: 23 of 1,588,578 alleles (0.0014%); highest among the groups gnomAD compares: Admixed American, 0.027%; no homozygotes.

Submissions (2):

Ambry Genetics
Classification: Uncertain significance. Last evaluated: 2025-06-18. Review status: criteria provided, single submitter. Criteria: Ambry Variant Classification Scheme 2023. Collection method: clinical testing. Allele origin: germline.

Labcorp Genetics (formerly Invitae), Labcorp
Classification: Uncertain significance. Last evaluated: 2025-03-04. Review status: criteria provided, single submitter. Criteria: Invitae Variant Classification Sherloc (09022015). Collection method: clinical testing. Allele origin: germline.
Comment: This sequence change replaces asparagine, which is neutral and polar, with isoleucine, which is neutral and non-polar, at codon 246 of the GCKR protein (p.Asn246Ile). This variant is present in population databases (no rsID available, gnomAD 0.01%). This variant has not been reported in the literature in individuals affected with GCKR-related conditions. ClinVar contains an entry for this variant (Variation ID: 1445041). Invitae Evidence Modeling of protein sequence and biophysical properties (such as structural, functional, and spatial information, amino acid conservation, physicochemical variation, residue mobility, and thermodynamic stability) indicates that this missense variant is expected to disrupt GCKR protein function with a positive predictive value of 80%. In summary, the available evidence is currently insufficient to determine the role of this variant in disease. Therefore, it has been classified as a Variant of Uncertain Significance.